The following is an entry in ClinVar:

ClinVar aggregate classification (germline): Likely benign. Review status: criteria provided, multiple submitters, no conflicts (2 of 4 stars). 3 submissions from 3 submitters: Likely benign (3). Last evaluated 2025-03-04.

Conditions:
Hereditary breast ovarian cancer syndrome. Also called: Hereditary breast and ovarian cancer syndrome; BRCA1- and BRCA2-Associated Hereditary Breast and Ovarian Cancer; Hereditary breast and/or ovarian cancer syndrome; Hereditary breast and ovarian cancer syndrome (HBOC); Breast and ovarian cancer; Hereditary breast and ovarian cancer. Identifiers: Orphanet 145, MedGen C0677776, MeSH D061325, MONDO:0003582. Disease mechanism: loss of function.

Submissions (3):

Center for Genomic Medicine, Rigshospitalet, Copenhagen University Hospital
Classification: Likely benign. Last evaluated: 2025-03-04. Review status: criteria provided, single submitter. Criteria: ACMG Guidelines, 2015. Collection method: clinical testing. Allele origin: germline.

Labcorp Genetics (formerly Invitae), Labcorp
Classification: Likely benign for Hereditary breast ovarian cancer syndrome. Last evaluated: 2024-11-15. Review status: criteria provided, single submitter. Criteria: Invitae Variant Classification Sherloc (09022015). Collection method: clinical testing. Allele origin: germline.

GeneDx
Classification: Likely benign. Last evaluated: 2017-08-24. Review status: criteria provided, single submitter. Criteria: GeneDx Variant Classification (06012015). Collection method: clinical testing. Allele origin: germline. Affected: yes.
Comment: This variant is considered likely benign or benign based on one or more of the following criteria: it is a conservative change, it occurs at a poorly conserved position in the protein, it is predicted to be benign by multiple in silico algorithms, and/or has population frequency not consistent with disease.

NM_000059.4(BRCA2):c.9256+14_9256+19del

Gene: BRCA2 (BRCA2 DNA repair associated; plus strand). Cytogenetic location: 13q13.1.
Variant type: Deletion.
Coding change: c.9256+14_9256+19del on transcript NM_000059.4 (MANE Select); bases 14 to 19 of the intron after coding-DNA position 9256, 6 bases deleted (TAGTTA; older notation c.9256+14_9256+19delTAGTTA).
Molecular consequence: intron variant.
Genome position (GRCh38, 1-based): chr13:32,380,159-32,380,164, TAGTTA deleted; deleting any 6 consecutive bases within chr13:32,380,157-32,380,164 gives the same sequence; the c. name uses the placement nearest the transcript's 3' end. VCF-style (leftmost placement, unchanged base first): chr13-32380156-ATATAGT-A. GRCh37 (hg19) VCF-style: chr13-32954293-ATATAGT-A.
Other names: c.9256+14_9256+19delTAGTTA (NM_000059.3, NM_000059.4).
Identifiers: ClinVar variation 511751 (VCV000511751.14), dbSNP rs1555288595, ClinGen allele CA658798077.